The following is an entry in ClinVar:

ClinVar aggregate classification (germline): Benign (1 of 4 stars; one submission).

Allele frequency attached by ClinVar (database versions not stated): gnomAD 0.69554; 1000 Genomes Project 30x 0.68098; TOPMed 0.68366; 1000 Genomes Project 0.68371.
gnomAD v4.1: 104,264 of 152,170 alleles (69%); highest among the groups gnomAD compares: African/African-American, 76%; 35,934 homozygotes.

Submission:

GeneDx
Classification: Benign. Last evaluated: 2018-06-14. Review status: criteria provided, single submitter. Criteria: GeneDx Variant Classification (06012015). Collection method: clinical testing. Allele origin: germline. Affected: yes.
Comment: This variant is considered likely benign or benign based on one or more of the following criteria: it is a conservative change, it occurs at a poorly conserved position in the protein, it is predicted to be benign by multiple in silico algorithms, and/or has population frequency not consistent with disease.

NM_004544.4(NDUFA10):c.548-316G>A

Gene: NDUFA10 (NADH:ubiquinone oxidoreductase subunit A10; minus strand). Cytogenetic location: 2q37.3.
Variant type: single nucleotide variant.
Coding change: c.548-316G>A on transcript NM_004544.4 (MANE Select); 316 bases into the intron before coding-DNA position 548, G replaced by A.
Molecular consequence: intron variant.
Genome position (GRCh38, 1-based): chr2:240,015,176, C>T on the plus strand (G>A on the coding strand, the complement: NDUFA10 is on the minus strand). VCF-style: chr2-240015176-C-T. GRCh37 (hg19) VCF-style: chr2-240954593-C-T.
Other names: c.548-316G>A (NM_001322020.2, NM_001322019.2).
Identifiers: ClinVar variation 669507 (VCV000669507.1), dbSNP rs4149543, ClinGen allele CA11104632.
Genomic context (GRCh38, chr2:240,015,176, plus strand): 5'-TGTATTTACAAACCAAAGGTCTGAGGCCCAGAGAAATTAAGCTACTTACACAGAGTAAAA[C>T]AGCAGCATTTAAACTGTGACCTTAATCATCCTAAAAGACAGATCTTTAGCACATCTTAGC-3'